The following is an entry in ClinVar:

NM_004006.3(DMD):c.4845G>T (p.Lys1615Asn)

Gene: DMD (dystrophin; minus strand). Cytogenetic location: Xp21.1.
Variant type: single nucleotide variant.
Coding change: c.4845G>T on transcript NM_004006.3 (MANE Select); coding-DNA position 4845, G replaced by T.
Protein change: p.Lys1615Asn; replaces lysine 1615 with asparagine.
Molecular consequence: missense variant.
Genome position (GRCh38, 1-based): chrX:32,380,510, C>A on the plus strand (G>T on the coding strand, the complement: DMD is on the minus strand). VCF-style: chrX-32380510-C-A. GRCh37 (hg19) VCF-style: chrX-32398627-C-A.
Other names: c.4821G>T, p.Lys1607Asn (NM_000109.4); c.4833G>T, p.Lys1611Asn (NM_004009.3); c.4476G>T, p.Lys1492Asn (NM_004010.3); c.822G>T, p.Lys274Asn (NM_004011.4); c.813G>T, p.Lys271Asn (NM_004012.4); short protein forms K1615N, K1611N, K271N, K1492N, K274N, K1607N.
Identifiers: ClinVar variation 3650939 (VCV003650939.2).
Genomic context (GRCh38, chrX:32,380,510, plus strand): 5'-AAAATCATATTATGTGTTTTCACGTATGTTCAAAATAACCTTCAGTGATATAGGTTTTAC[C>A]TTTCCCCAGGCAACTTCAGAATCCAAATTACTAGGCATTCCTTCAACTGCTGATCTCTTT-3'
Protein context (NP_003997.2, residues 1605-1625): SNLDSEVAWG[Lys1615Asn]ATQKEIEKQK

ClinVar aggregate classification (germline): Uncertain significance (1 of 4 stars; one submission).

Conditions:
Duchenne muscular dystrophy (DMD). Also called: MUSCULAR DYSTROPHY, PSEUDOHYPERTROPHIC PROGRESSIVE, DUCHENNE TYPE; Duchenne Muscular Dystrophy (DMD). Identifiers: Orphanet 98896, MedGen C0013264, MONDO:0010679, OMIM 310200.

Submission:

Labcorp Genetics (formerly Invitae), Labcorp
Classification: Uncertain significance for Duchenne muscular dystrophy. Last evaluated: 2024-04-26. Review status: criteria provided, single submitter. Criteria: Invitae Variant Classification Sherloc (09022015). Collection method: clinical testing. Allele origin: germline.
Comment: This sequence change replaces lysine, which is basic and polar, with asparagine, which is neutral and polar, at codon 1615 of the DMD protein (p.Lys1615Asn). This variant also falls at the last nucleotide of exon 34, which is part of the consensus splice site for this exon. This variant is not present in population databases (gnomAD no frequency). This variant has not been reported in the literature in individuals affected with DMD-related conditions. An algorithm developed to predict the effect of missense changes on protein structure and function (PolyPhen-2) suggests that this variant is likely to be disruptive. Variants that disrupt the consensus splice site are a relatively common cause of aberrant splicing (PMID: 17576681, 9536098). Algorithms developed to predict the effect of sequence changes on RNA splicing suggest that this variant may disrupt the consensus splice site. In summary, the available evidence is currently insufficient to determine the role of this variant in disease. Therefore, it has been classified as a Variant of Uncertain Significance.

Literature cited by the submitters: PubMed 17576681; PubMed 9536098.